The following is an entry in ClinVar:

NM_000095.3(COMP):c.1100G>A (p.Arg367Gln)

Gene: COMP (cartilage oligomeric matrix protein; minus strand). Cytogenetic location: 19p13.11.
Variant type: single nucleotide variant.
Coding change: c.1100G>A on transcript NM_000095.3 (MANE Select); coding-DNA position 1100, G replaced by A.
Protein change: p.Arg367Gln; replaces arginine 367 with glutamine.
Molecular consequence: missense variant.
Genome position (GRCh38, 1-based): chr19:18,787,526, C>T on the plus strand (G>A on the coding strand, the complement: COMP is on the minus strand). VCF-style: chr19-18787526-C-T. GRCh37 (hg19) VCF-style: chr19-18898335-C-T.
Other names: short protein forms R367Q.
Identifiers: ClinVar variation 2863294 (VCV002863294.3), dbSNP rs748999247, ClinGen allele CA9316544.

ClinVar aggregate classification (germline): Uncertain significance (1 of 4 stars; one submission).

Allele frequency attached by ClinVar (database versions not stated): ExAC 0.00002; gnomAD 0.00001; TOPMed 0.00001.
gnomAD v4.1: 8 of 1,613,720 alleles (0.0005%); highest among the groups gnomAD compares: Admixed American, 0.013%; no homozygotes.

Submission:

Labcorp Genetics (formerly Invitae), Labcorp
Classification: Uncertain significance. Last evaluated: 2026-02-01. Review status: criteria provided, single submitter. Criteria: Invitae Variant Classification Sherloc (09022015). Collection method: clinical testing. Allele origin: germline.
Comment: This sequence change replaces arginine, which is basic and polar, with glutamine, which is neutral and polar, at codon 367 of the COMP protein (p.Arg367Gln). This variant is present in population databases (rs748999247, gnomAD 0.02%). This variant has not been reported in the literature in individuals affected with COMP-related conditions. ClinVar contains an entry for this variant (Variation ID: 2863294). Invitae Evidence Modeling of protein sequence and biophysical properties (such as structural, functional, and spatial information, amino acid conservation, physicochemical variation, residue mobility, and thermodynamic stability) indicates that this missense variant is not expected to disrupt COMP protein function with a negative predictive value of 80%. In summary, the available evidence is currently insufficient to determine the role of this variant in disease. Therefore, it has been classified as a Variant of Uncertain Significance.